The following is an entry in ClinVar:

NM_000051.4(ATM):c.8125G>A (p.Gly2709Ser)

Genes: ATM (ATM serine/threonine kinase; plus strand), C11orf65 (chromosome 11 open reading frame 65; minus strand). Cytogenetic location: 11q22.3.
Variant type: single nucleotide variant.
Coding change: c.8125G>A on transcript NM_000051.4 (MANE Select); coding-DNA position 8125, G replaced by A.
Protein change: p.Gly2709Ser; replaces glycine 2709 with serine.
Molecular consequence: missense variant. On other transcripts: intron variant (2).
Genome position (GRCh38, 1-based): chr11:108,335,083, G>A. VCF-style: chr11-108335083-G-A. GRCh37 (hg19) VCF-style: chr11-108205810-G-A.
Other names: c.8125G>A, p.Gly2709Ser (NM_001351834.2); c.641-26012C>T (NM_001330368.2); c.*38+137C>T (NM_001351110.2); short protein forms G2709S.
Identifiers: ClinVar variation 453720 (VCV000453720.13), dbSNP rs3218680, ClinGen allele CA228420397.

ClinVar aggregate classification (germline): Uncertain significance. Review status: criteria provided, multiple submitters, no conflicts (2 of 4 stars). 2 submissions from 2 submitters: Uncertain significance (2). Last evaluated 2024-11-14.

Conditions:
Hereditary cancer-predisposing syndrome. Also called: Neoplastic Syndromes, Hereditary; Hereditary Cancer Syndrome; Tumor predisposition; Hereditary neoplastic syndrome. Identifiers: Orphanet 140162, MedGen C0027672, MeSH D009386, MONDO:0015356.
Ataxia-telangiectasia syndrome (AT). Also called: LOUIS-BAR SYNDROME; Cerebello-oculocutaneous telangiectasia; Immunodeficiency with ataxia telangiectasia; Ataxia-telangiectasia, complementation group D; AT, COMPLEMENTATION GROUP C; Ataxia-telangiectasia, complementation group E. Identifiers: Orphanet 100, MedGen C0004135, MONDO:0008840, OMIM 208900.

Submissions (2):

Ambry Genetics
Classification: Uncertain significance for Hereditary cancer-predisposing syndrome. Last evaluated: 2024-11-14. Review status: criteria provided, single submitter. Criteria: Ambry Variant Classification Scheme 2023. Collection method: clinical testing. Allele origin: germline.
Comment: The p.G2709S variant (also known as c.8125G>A), located in coding exon 54 of the ATM gene, results from a G to A substitution at nucleotide position 8125. The glycine at codon 2709 is replaced by serine, an amino acid with similar properties. This amino acid position is highly conserved in available vertebrate species. In addition, this alteration is predicted to be deleterious by in silico analysis. Based on the available evidence, the clinical significance of this variant remains unclear.

Labcorp Genetics (formerly Invitae), Labcorp
Classification: Uncertain significance for Ataxia-telangiectasia syndrome. Last evaluated: 2023-02-13. Review status: criteria provided, single submitter. Criteria: Invitae Variant Classification Sherloc (09022015). Collection method: clinical testing. Allele origin: germline.
Comment: This sequence change replaces glycine, which is neutral and non-polar, with serine, which is neutral and polar, at codon 2709 of the ATM protein (p.Gly2709Ser). In summary, the available evidence is currently insufficient to determine the role of this variant in disease. Therefore, it has been classified as a Variant of Uncertain Significance. Algorithms developed to predict the effect of missense changes on protein structure and function (SIFT, PolyPhen-2, Align-GVGD) all suggest that this variant is likely to be disruptive. ClinVar contains an entry for this variant (Variation ID: 453720). This variant has not been reported in the literature in individuals affected with ATM-related conditions. This variant is not present in population databases (gnomAD no frequency).